The following is an entry in ClinVar:

ClinVar aggregate classification (germline): Uncertain significance. Review status: criteria provided, multiple submitters, no conflicts (2 of 4 stars). 2 submissions from 2 submitters: Uncertain significance (2). Last evaluated 2025-03-01.

Conditions:
Hereditary cancer-predisposing syndrome. Also called: Hereditary neoplastic syndrome; Tumor predisposition; Neoplastic Syndromes, Hereditary; Hereditary Cancer Syndrome. Identifiers: Orphanet 140162, MedGen C0027672, MeSH D009386, MONDO:0015356.
Tuberous sclerosis 1 (TSC1). Identifiers: Orphanet 805, MedGen C1854465, MONDO:0008612, OMIM 191100.

Submissions (2):

Ambry Genetics
Classification: Uncertain significance for Hereditary cancer-predisposing syndrome. Last evaluated: 2025-03-01. Review status: criteria provided, single submitter. Criteria: Ambry Variant Classification Scheme 2023. Collection method: clinical testing. Allele origin: germline.
Comment: The p.T314A variant (also known as c.940A>G), located in coding exon 8 of the TSC1 gene, results from an A to G substitution at nucleotide position 940. The threonine at codon 314 is replaced by alanine, an amino acid with similar properties. This amino acid position is conserved. In addition, this alteration is predicted to be tolerated by in silico analysis. Based on the available evidence, the clinical significance of this variant remains unclear.

Labcorp Genetics (formerly Invitae), Labcorp
Classification: Uncertain significance for Tuberous sclerosis 1. Last evaluated: 2024-04-06. Review status: criteria provided, single submitter. Criteria: Invitae Variant Classification Sherloc (09022015). Collection method: clinical testing. Allele origin: germline.
Comment: This sequence change replaces threonine, which is neutral and polar, with alanine, which is neutral and non-polar, at codon 314 of the TSC1 protein (p.Thr314Ala). This variant is not present in population databases (gnomAD no frequency). This variant has not been reported in the literature in individuals affected with TSC1-related conditions. ClinVar contains an entry for this variant (Variation ID: 958600). Advanced modeling of protein sequence and biophysical properties (such as structural, functional, and spatial information, amino acid conservation, physicochemical variation, residue mobility, and thermodynamic stability) performed at Invitae indicates that this missense variant is not expected to disrupt TSC1 protein function with a negative predictive value of 95%. In summary, the available evidence is currently insufficient to determine the role of this variant in disease. Therefore, it has been classified as a Variant of Uncertain Significance.

NM_000368.5(TSC1):c.940A>G (p.Thr314Ala)

Gene: TSC1 (TSC complex subunit 1; minus strand). Cytogenetic location: 9q34.13.
Variant type: single nucleotide variant.
Coding change: c.940A>G on transcript NM_000368.5 (MANE Select); coding-DNA position 940, A replaced by G.
Protein change: p.Thr314Ala; replaces threonine 314 with alanine.
Molecular consequence: missense variant.
Genome position (GRCh38, 1-based): chr9:132,911,542, T>C on the plus strand (A>G on the coding strand, the complement: TSC1 is on the minus strand). VCF-style: chr9-132911542-T-C. GRCh37 (hg19) VCF-style: chr9-135786929-T-C.
Other names: c.940A>G, p.Thr314Ala (NM_001162426.2); c.787A>G, p.Thr263Ala (NM_001162427.2); c.577A>G, p.Thr193Ala (NM_001362177.2); short protein forms T193A, T263A, T314A.
Identifiers: ClinVar variation 958600 (VCV000958600.8), dbSNP rs1845963270, ClinGen allele CA375368713.